The following is an entry in ClinVar:

ClinVar aggregate classification (germline): Pathogenic. Review status: criteria provided, multiple submitters, no conflicts (2 of 4 stars). 3 submissions from 3 submitters: Pathogenic (2). 1 of the submissions does not count toward it. Last evaluated 2024-03-21.

Conditions:
Meckel-Gruber syndrome. Also called: DYSENCEPHALIA SPLANCHNOCYSTICA; GRUBER SYNDROME; Dysencephalia splachnocystica. Identifiers: Orphanet 564, MedGen C0265215, MONDO:0018921.
Nephronophthisis. Also called: Juvenile Nephronophthisis. Identifiers: Orphanet 655, MedGen C0687120, MONDO:0019005, HP:0000090.
Joubert syndrome. Also called: CEREBELLOPARENCHYMAL DISORDER IV; JOUBERT-BOLTSHAUSER SYNDROME; Familial aplasia of the vermis. Identifiers: Orphanet 475, MedGen C5979921, MONDO:0018772.
Senior-Loken syndrome 6 (SLSN6). Identifiers: Orphanet 3156, MedGen C1857779, MONDO:0012433, OMIM 610189.
Leber congenital amaurosis 10 (LCA10). Identifiers: Orphanet 65, MedGen C1857821, MONDO:0012723, OMIM 611755.
Bardet-Biedl syndrome 14 (BBS14). Identifiers: Orphanet 110, MedGen C2673874, MONDO:0014442, OMIM 615991.
Meckel syndrome, type 4 (MKS4). Also called: MECKEL-GRUBER SYNDROME, TYPE 4. Identifiers: Orphanet 564, MedGen C1970161, MONDO:0012626, OMIM 611134.
Joubert syndrome 5 (JBTS5). Identifiers: Orphanet 2318, MedGen C1857780, MONDO:0012432, OMIM 610188.

Submissions (3):

Labcorp Genetics (formerly Invitae), Labcorp
Classification: Pathogenic for Joubert syndrome; Meckel-Gruber syndrome; Nephronophthisis. Last evaluated: 2024-03-21. Review status: criteria provided, single submitter. Criteria: Invitae Variant Classification Sherloc (09022015). Collection method: clinical testing. Allele origin: germline.
Comment: This sequence change affects a donor splice site in intron 5 of the CEP290 gene. It is expected to disrupt RNA splicing. Variants that disrupt the donor or acceptor splice site typically lead to a loss of protein function (PMID: 16199547), and loss-of-function variants in CEP290 are known to be pathogenic (PMID: 16909394, 17345604, 20690115). This variant is not present in population databases (gnomAD no frequency). Disruption of this splice site has been observed in individual(s) with Meckel-Gruber syndrome or Leber congenital amaurosis (PMID: 22699515, 28973549). In at least one individual the data is consistent with being in trans (on the opposite chromosome) from a pathogenic variant. ClinVar contains an entry for this variant (Variation ID: 829993). Algorithms developed to predict the effect of sequence changes on RNA splicing suggest that this variant may disrupt the consensus splice site. For these reasons, this variant has been classified as Pathogenic.

Fulgent Genetics
Classification: Pathogenic for Joubert syndrome 5; Senior-Loken syndrome 6; Meckel syndrome, type 4; Leber congenital amaurosis 10; Bardet-Biedl syndrome 14. Last evaluated: 2021-08-10. Review status: criteria provided, single submitter. Criteria: ACMG Guidelines, 2015. Collection method: clinical testing. Allele origin: unknown.

Bioscientia Institut fuer Medizinische Diagnostik GmbH, Sonic Healthcare
Classification: Likely pathogenic for Leber congenital amaurosis 10. Last evaluated: 2019-07-19. Review status: no assertion criteria provided. Collection method: clinical testing. Allele origin: germline. Affected: yes. Not counted in ClinVar's aggregate classification.

Literature cited by the submitters: PubMed 16199547 (cited by Labcorp Genetics (formerly Invitae), Labcorp); PubMed 16909394 (cited by Labcorp Genetics (formerly Invitae), Labcorp); PubMed 17345604 (cited by Labcorp Genetics (formerly Invitae), Labcorp); PubMed 20690115 (cited by Labcorp Genetics (formerly Invitae), Labcorp); PubMed 22699515 (cited by Labcorp Genetics (formerly Invitae), Labcorp); PubMed 28973549 (cited by Labcorp Genetics (formerly Invitae), Labcorp).

NM_025114.4(CEP290):c.297+1G>A

Gene: CEP290 (centrosomal protein 290; minus strand). Cytogenetic location: 12q21.32.
Variant type: single nucleotide variant.
Coding change: c.297+1G>A on transcript NM_025114.4 (MANE Select); the canonical splice donor site of the intron after coding-DNA position 297, G replaced by A.
Molecular consequence: splice donor variant.
Genome position (GRCh38, 1-based): chr12:88,139,144, C>T on the plus strand (G>A on the coding strand, the complement: CEP290 is on the minus strand). VCF-style: chr12-88139144-C-T. GRCh37 (hg19) VCF-style: chr12-88532921-C-T.
Identifiers: ClinVar variation 829993 (VCV000829993.12), dbSNP rs878853360, ClinGen allele CA385988563.
Genomic context (GRCh38, chr12:88,139,144, plus strand): 5'-TGAAAACAATTCAAAATAAAATTAATGACAATTACATCCTAGGGAATACAAAAAGACATA[C>T]CTCCAGTTCATTTTCCAGTTTCATTACTTTAGTTTTTAATTGATTTTCTATTTTTTTAAA-3'